The following is an entry in ClinVar:

NM_004369.4(COL6A3):c.1627T>C (p.Tyr543His)

Gene: COL6A3 (collagen type VI alpha 3 chain; minus strand). Cytogenetic location: 2q37.3.
Variant type: single nucleotide variant.
Coding change: c.1627T>C on transcript NM_004369.4 (MANE Select); coding-DNA position 1627, T replaced by C.
Protein change: p.Tyr543His; replaces tyrosine 543 with histidine.
Molecular consequence: missense variant.
Genome position (GRCh38, 1-based): chr2:237,381,185, A>G on the plus strand (T>C on the coding strand, the complement: COL6A3 is on the minus strand). VCF-style: chr2-237381185-A-G. GRCh37 (hg19) VCF-style: chr2-238289828-A-G.
Other names: c.406T>C, p.Tyr136His (NM_057164.5, NM_057166.5); c.1009T>C, p.Tyr337His (NM_057165.5, NM_057167.4); short protein forms Y337H, Y136H, Y543H.
Identifiers: ClinVar variation 933482 (VCV000933482.10), dbSNP rs539057609, ClinGen allele CA2189575.

ClinVar aggregate classification (germline): Uncertain significance. Review status: criteria provided, multiple submitters, no conflicts (2 of 4 stars). 3 submissions from 3 submitters: Uncertain significance (3). Last evaluated 2026-05-17.

Conditions:
Inborn genetic diseases. Identifiers: MedGen C0950123, MeSH D030342.
COL6A3-related disorder. Also called: COL6A3-related condition; COL6A3-related disorders.
Bethlem myopathy 1A. Also called: Bethlem myopathy 1; MYOPATHY, BENIGN CONGENITAL, WITH CONTRACTURES; Bethlem Muscular Dystrophy. Identifiers: Orphanet 610, MedGen CN029274, MONDO:0024530, OMIM 158810.

Allele frequency attached by ClinVar (database versions not stated): gnomAD exomes below 0.00001 and 0.00001; ExAC 0.00001; gnomAD 0.00001; 1000 Genomes Project 30x 0.00016; 1000 Genomes Project 0.00020.
gnomAD v4.1: 4 of 1,614,286 alleles (0.00025%); highest among the groups gnomAD compares: Non-Finnish European, 0.00034%; no homozygotes.

Submissions (3):

PreventionGenetics, part of Exact Sciences
Classification: Uncertain significance for COL6A3-related condition. Last evaluated: 2026-05-17. Review status: criteria provided, single submitter. Criteria: ACMG Guidelines, 2015. Collection method: clinical testing. Allele origin: germline.
Comment: The COL6A3 c.1627T>C variant is predicted to result in the amino acid substitution p.Tyr543His. To our knowledge, this variant has not been reported in the literature. This variant is reported in 0.0018% of alleles in individuals of European (Non-Finnish) descent in gnomAD. At this time, the clinical significance of this variant is uncertain due to the absence of conclusive functional and genetic evidence.

Ambry Genetics
Classification: Uncertain significance for Inborn genetic diseases. Last evaluated: 2025-09-11. Review status: criteria provided, single submitter. Criteria: Ambry Variant Classification Scheme 2023. Collection method: clinical testing. Allele origin: germline.

Labcorp Genetics (formerly Invitae), Labcorp
Classification: Uncertain significance for Bethlem myopathy 1A. Last evaluated: 2023-08-14. Review status: criteria provided, single submitter. Criteria: Invitae Variant Classification Sherloc (09022015). Collection method: clinical testing. Allele origin: germline.
Comment: Advanced modeling of protein sequence and biophysical properties (such as structural, functional, and spatial information, amino acid conservation, physicochemical variation, residue mobility, and thermodynamic stability) performed at Invitae indicates that this missense variant is not expected to disrupt COL6A3 protein function. ClinVar contains an entry for this variant (Variation ID: 933482). This variant has not been reported in the literature in individuals affected with COL6A3-related conditions. This variant is present in population databases (rs539057609, gnomAD 0.002%). This sequence change replaces tyrosine, which is neutral and polar, with histidine, which is basic and polar, at codon 543 of the COL6A3 protein (p.Tyr543His). In summary, the available evidence is currently insufficient to determine the role of this variant in disease. Therefore, it has been classified as a Variant of Uncertain Significance.